The following is an entry in ClinVar:

NM_021942.6(TRAPPC11):c.686A>G (p.Lys229Arg)

Gene: TRAPPC11 (trafficking protein particle complex subunit 11; plus strand). Cytogenetic location: 4q35.1.
Variant type: single nucleotide variant.
Coding change: c.686A>G on transcript NM_021942.6 (MANE Select); coding-DNA position 686, A replaced by G.
Protein change: p.Lys229Arg; replaces lysine 229 with arginine.
Molecular consequence: missense variant.
Genome position (GRCh38, 1-based): chr4:183,675,189, A>G. VCF-style: chr4-183675189-A-G. GRCh37 (hg19) VCF-style: chr4-184596342-A-G.
Other names: c.686A>G, p.Lys229Arg (NM_199053.3); short protein forms K229R.
Identifiers: ClinVar variation 2572891 (VCV002572891.1), dbSNP rs2476829687, ClinGen allele CA358861372.

ClinVar aggregate classification (germline): Uncertain significance (1 of 4 stars; one submission).

gnomAD v4.1: 2 of 1,543,320 alleles (0.00013%); highest among the groups gnomAD compares: Non-Finnish European, 0.00017%; no homozygotes.

Submission:

GeneDx
Classification: Uncertain significance. Last evaluated: 2023-01-11. Review status: criteria provided, single submitter. Criteria: GeneDx Variant Classification Process June 2021. Collection method: clinical testing. Allele origin: germline. Affected: yes.
Comment: Not observed at significant frequency in large population cohorts (gnomAD); In silico analysis supports that this missense variant has a deleterious effect on protein structure/function; Has not been previously published as pathogenic or benign to our knowledge